The following is an entry in ClinVar:

ClinVar aggregate classification (germline): Uncertain significance (1 of 4 stars; one submission).

Conditions:
Hereditary insensitivity to pain with anhidrosis (CIPA). Also called: INSENSITIVITY TO PAIN, CONGENITAL, WITH ANHIDROSIS; hereditary sensory and autonomic neuropathy type 4; NEUROPATHY, CONGENITAL SENSORY, WITH ANHIDROSIS; NTRK1 Congenital Insensitivity to Pain with Anhidrosis; FAMILIAL DYSAUTONOMIA, TYPE II; HSAN Type IV. Identifiers: Orphanet 642, MedGen C0020074, MONDO:0009746, OMIM 256800.

Submission:

Labcorp Genetics (formerly Invitae), Labcorp
Classification: Uncertain significance for Hereditary insensitivity to pain with anhidrosis. Last evaluated: 2022-09-19. Review status: criteria provided, single submitter. Criteria: Invitae Variant Classification Sherloc (09022015). Collection method: clinical testing. Allele origin: germline.
Comment: In summary, the available evidence is currently insufficient to determine the role of this variant in disease. Therefore, it has been classified as a Variant of Uncertain Significance. Algorithms developed to predict the effect of missense changes on protein structure and function (SIFT, PolyPhen-2, Align-GVGD) all suggest that this variant is likely to be disruptive. This variant has not been reported in the literature in individuals affected with NTRK1-related conditions. This variant is not present in population databases (gnomAD no frequency). This sequence change replaces leucine, which is neutral and non-polar, with valine, which is neutral and non-polar, at codon 557 of the NTRK1 protein (p.Leu557Val).

NM_002529.4(NTRK1):c.1687C>G (p.Leu563Val)

Gene: NTRK1 (neurotrophic receptor tyrosine kinase 1; plus strand). Cytogenetic location: 1q23.1.
Variant type: single nucleotide variant.
Coding change: c.1687C>G on transcript NM_002529.4 (MANE Select); coding-DNA position 1687, C replaced by G.
Protein change: p.Leu563Val; replaces leucine 563 with valine.
Molecular consequence: missense variant.
Genome position (GRCh38, 1-based): chr1:156,876,454, C>G. VCF-style: chr1-156876454-C-G. GRCh37 (hg19) VCF-style: chr1-156846246-C-G.
Other names: c.1687C>G, p.Leu563Val (NM_001007204.1); c.1579C>G, p.Leu527Val (NM_001007792.1); c.1669C>G, p.Leu557Val (NM_001012331.2); short protein forms L563V, L527V, L557V.
Identifiers: ClinVar variation 2008291 (VCV002008291.4), dbSNP rs2102919355, ClinGen allele CA342938501.
Genomic context (GRCh38, chr1:156,876,454, plus strand): 5'-ATCCAGGCACTGAAGGAGGCGTCCGAGAGTGCTCGGCAGGACTTCCAGCGTGAGGCTGAG[C>G]TGCTCACCATGCTGCAGCACCAGCACATCGTGCGCTTCTTCGGCGTCTGCACCGAGGGCC-3'
Protein context (NP_002520.2, residues 553-573): ARQDFQREAE[Leu563Val]LTMLQHQHIV